The following is an entry in ClinVar:

NM_000552.5(VWF):c.5489G>C (p.Arg1830Pro)

Gene: VWF (von Willebrand factor; minus strand). Cytogenetic location: 12p13.31.
Variant type: single nucleotide variant.
Coding change: c.5489G>C on transcript NM_000552.5 (MANE Select); coding-DNA position 5489, G replaced by C.
Protein change: p.Arg1830Pro; replaces arginine 1830 with proline.
Molecular consequence: missense variant.
Genome position (GRCh38, 1-based): chr12:6,013,612, C>G on the plus strand (G>C on the coding strand, the complement: VWF is on the minus strand). VCF-style: chr12-6013612-C-G. GRCh37 (hg19) VCF-style: chr12-6122778-C-G.
Other names: p.Arg1830Pro; short protein forms R1830P.
Identifiers: ClinVar variation 4541679 (VCV004541679.1).

ClinVar aggregate classification (germline): Uncertain significance (1 of 4 stars; one submission).

gnomAD v4.1: 2 of 1,613,574 alleles (0.00012%); highest among the groups gnomAD compares: Non-Finnish European, 0.00017%; no homozygotes.

Submission:

Mayo Clinic Laboratories, Mayo Clinic
Classification: Uncertain significance. Last evaluated: 2025-01-16. Review status: criteria provided, single submitter. Criteria: ACMG Guidelines, 2015. Collection method: clinical testing. Allele origin: germline. Observed: 1 variant allele.
Comment: PM2_supporting